The following is an entry in ClinVar:

NM_001134363.3(RBM20):c.2276A>G (p.Tyr759Cys)

Gene: RBM20 (RNA binding motif protein 20; plus strand). Cytogenetic location: 10q25.2.
Variant type: single nucleotide variant.
Coding change: c.2276A>G on transcript NM_001134363.3 (MANE Select); coding-DNA position 2276, A replaced by G.
Protein change: p.Tyr759Cys; replaces tyrosine 759 with cysteine.
Molecular consequence: missense variant.
Genome position (GRCh38, 1-based): chr10:110,812,673, A>G. VCF-style: chr10-110812673-A-G. GRCh37 (hg19) VCF-style: chr10-112572431-A-G.
Other names: short protein forms Y759C.
Identifiers: ClinVar variation 844471 (VCV000844471.14), dbSNP rs1463526980, ClinGen allele CA378373161.

ClinVar aggregate classification (germline): Conflicting classifications of pathogenicity. Review status: criteria provided, conflicting classifications (1 of 4 stars). 4 submissions from 4 submitters: Uncertain significance (3); Likely benign (1). Last evaluated 2025-10-21.

Conditions:
Cardiovascular phenotype. Identifiers: MedGen CN230736.
Dilated cardiomyopathy 1DD (CMD1DD). Identifiers: Orphanet 154, MedGen C2750995, MONDO:0013168, OMIM 613172.

Allele frequency attached by ClinVar (database versions not stated): gnomAD 0.00001; gnomAD exomes 0.00001; TOPMed 0.00001.
gnomAD v4.1: 15 of 1,551,628 alleles (0.00097%); highest among the groups gnomAD compares: Non-Finnish European, 0.0011%; no homozygotes.

Submissions (4):

Labcorp Genetics (formerly Invitae), Labcorp
Classification: Likely benign for Dilated cardiomyopathy 1DD. Last evaluated: 2025-10-21. Review status: criteria provided, single submitter. Criteria: Invitae Variant Classification Sherloc (09022015). Collection method: clinical testing. Allele origin: germline.

Ambry Genetics
Classification: Uncertain significance for Cardiovascular phenotype. Last evaluated: 2024-02-22. Review status: criteria provided, single submitter. Criteria: Ambry Variant Classification Scheme 2023. Collection method: clinical testing. Allele origin: germline.
Comment: The p.Y759C variant (also known as c.2276A>G), located in coding exon 9 of the RBM20 gene, results from an A to G substitution at nucleotide position 2276. The tyrosine at codon 759 is replaced by cysteine, an amino acid with highly dissimilar properties. This amino acid position is well conserved in available vertebrate species; however, cysteine is the reference amino acid in other vertebrate species. In addition, this alteration is predicted to be tolerated by in silico analysis. Since supporting evidence is limited at this time, the clinical significance of this alteration remains unclear.

Blueprint Genetics
Classification: Uncertain significance. Last evaluated: 2023-06-14. Review status: criteria provided, single submitter. Criteria: ACMG Guidelines, 2015. Collection method: clinical testing. Allele origin: germline.

Fulgent Genetics
Classification: Uncertain significance for Dilated cardiomyopathy 1DD. Last evaluated: 2021-08-26. Review status: criteria provided, single submitter. Criteria: ACMG Guidelines, 2015. Collection method: clinical testing. Allele origin: unknown.